The following is an entry in ClinVar:

ClinVar aggregate classification (germline): Likely pathogenic (1 of 4 stars; one submission).

Conditions:
Familial intrahepatic cholestasis. Identifiers: Orphanet 284385, MedGen CN296401, MONDO:0017290.
Low phospholipid associated cholelithiasis (GBD1). Also called: Gallbladder disease 1; Gallstone cholecystitis. Identifiers: Orphanet 69663, MedGen C2609268, MONDO:0010939, OMIM 600803.

Submission:

Genomenon, Inc
Classification: Likely pathogenic for Familial intrahepatic cholestasis; Low phospholipid associated cholelithiasis. Last evaluated: 2026-04-14. Review status: criteria provided, single submitter. Criteria: Genomenon Sequence Variant Interpretation Standards - Updated. Collection method: curation. Allele origin: germline. Affected: yes.
Comment: ABCB4 p.Gly536Arg (c.1606G>A) is a missense variant that changes the amino acid at residue 536 from Glycine to Arginine. This variant has been observed in at least one proband with an ABCB4-related disorder (PMID:28012258;16696816). At least one functional study has demonstrated a substantial alteration in protein function relative to the wild-type (PMID:28012258). It is absent or not present at a significant frequency in gnomAD. In silico models predict that this variant is possibly or probably damaging. In conclusion, we classify ABCB4 p.Gly536Arg (c.1606G>A) as a likely pathogenic variant.

Literature cited by the submitters: PubMed 28012258; PubMed 16696816.

NM_000443.4(ABCB4):c.1606G>A (p.Gly536Arg)

Gene: ABCB4 (ATP binding cassette subfamily B member 4; minus strand). Cytogenetic location: 7q21.12.
Variant type: single nucleotide variant.
Coding change: c.1606G>A on transcript NM_000443.4 (MANE Select); coding-DNA position 1606, G replaced by A.
Protein change: p.Gly536Arg; replaces glycine 536 with arginine.
Molecular consequence: missense variant.
Genome position (GRCh38, 1-based): chr7:87,439,792, C>T on the plus strand (G>A on the coding strand, the complement: ABCB4 is on the minus strand). VCF-style: chr7-87439792-C-T. GRCh37 (hg19) VCF-style: chr7-87069108-C-T.
Other names: c.1606G>A, p.Gly536Arg (NM_018849.3, NM_018850.3); short protein forms G536R.
Identifiers: ClinVar variation 4846474 (VCV004846474.1).
Genomic context (GRCh38, chr7:87,439,792, plus strand): 5'-GCAGAAGGATCTTGGGGTTGCGAACCAGGGCACGTGCAATGGCGATCCTCTGCTTCTGCC[C>T]ACCACTCAGCTGGGCCCCTCTCTCTCCAACCAGGGTGTCAAATTTCTAACACAGAAAACA-3'
Protein context (NP_000434.1, residues 526-546): VGERGAQLSG[Gly536Arg]QKQRIAIARA